The following is an entry in ClinVar:

ClinVar aggregate classification (germline): Uncertain significance. Review status: criteria provided, multiple submitters, no conflicts (2 of 4 stars). 5 submissions from 5 submitters: Uncertain significance (5). Last evaluated 2025-09-10.

Conditions:
Hereditary cancer-predisposing syndrome. Also called: Neoplastic Syndromes, Hereditary; Tumor predisposition; Hereditary Cancer Syndrome; Hereditary neoplastic syndrome. Identifiers: Orphanet 140162, MedGen C0027672, MeSH D009386, MONDO:0015356.
Familial adenomatous polyposis 1 (FAP1). Also called: FAMILIAL ADENOMATOUS POLYPOSIS 1, ATTENUATED; POLYPOSIS, ADENOMATOUS INTESTINAL. Identifiers: MedGen C2713442, MONDO:0021056, OMIM 175100. Disease mechanism: loss of function.

gnomAD v4.1: 1 of 1,613,724 alleles (0.000062%); no homozygotes.

Submissions (5):

Labcorp Genetics (formerly Invitae), Labcorp
Classification: Uncertain significance for Familial adenomatous polyposis 1. Last evaluated: 2025-09-10. Review status: criteria provided, single submitter. Criteria: Invitae Variant Classification Sherloc (09022015). Collection method: clinical testing. Allele origin: germline.
Comment: This sequence change replaces aspartic acid, which is acidic and polar, with asparagine, which is neutral and polar, at codon 491 of the APC protein (p.Asp491Asn). This variant is not present in population databases (gnomAD no frequency). This variant has not been reported in the literature in individuals affected with APC-related conditions. ClinVar contains an entry for this variant (Variation ID: 482411). Invitae Evidence Modeling of protein sequence and biophysical properties (such as structural, functional, and spatial information, amino acid conservation, physicochemical variation, residue mobility, and thermodynamic stability) indicates that this missense variant is not expected to disrupt APC protein function with a negative predictive value of 95%. In summary, the available evidence is currently insufficient to determine the role of this variant in disease. Therefore, it has been classified as a Variant of Uncertain Significance.

Ambry Genetics
Classification: Uncertain significance for Hereditary cancer-predisposing syndrome. Last evaluated: 2025-03-25. Review status: criteria provided, single submitter. Criteria: Ambry Variant Classification Scheme 2023. Collection method: clinical testing. Allele origin: germline.
Comment: The p.D491N variant (also known as c.1471G>A), located in coding exon 11 of the APC gene, results from a G to A substitution at nucleotide position 1471. The aspartic acid at codon 491 is replaced by asparagine, an amino acid with highly similar properties. This amino acid position is highly conserved in available vertebrate species. In addition, in silico predictors for this gene do not accurately predict pathogenicity. Missense alterations in APC are not a common cause of disease (Spier I et al. Genet Med. 2024 Feb;26(2):100992). Since supporting evidence is limited at this time, the clinical significance of this alteration remains unclear.

Institute for Biomarker Research, Medical Diagnostic Laboratories, L.L.C.
Classification: Uncertain significance for Hereditary cancer-predisposing syndrome. Last evaluated: 2024-12-09. Review status: criteria provided, single submitter. Criteria: ACMG Guidelines, 2015. Collection method: clinical testing. Allele origin: germline.
Comment: The missense variant NM_000038.6(APC):c.1471G>A (p.Asp491Asn) has not been reported previously as a pathogenic variant nor as a benign variant, to our knowledge. There is a small physicochemical difference between aspartic acid and asparagine, which is not likely to impact secondary protein structure as these residues share similar properties. The p.Asp491Asn missense variant is predicted to be damaging by both SIFT and PolyPhen2. The aspartic acid residue at codon 491 of APC is conserved in all mammalian species. For these reasons, this variant has been classified as Uncertain Significance

Institute for Genomic Medicine (IGM) Clinical Laboratory, Nationwide Children's Hospital
Classification: Uncertain significance for Familial adenomatous polyposis 1. Last evaluated: 2024-11-12. Review status: criteria provided, single submitter. Criteria: ACMG Guidelines, 2015. Collection method: clinical testing. Allele origin: germline.
Comment: This variant is absent from or present at an exceedingly low frequency in gnomAD, a large-scale control population database (ACMG/AMP: PM2). This variant results in a missense alteration in a gene for which primarily truncating variants are known to cause disease (ACMG/AMP: BP1).

Color Diagnostics, LLC DBA Color Health
Classification: Uncertain significance for Hereditary cancer-predisposing syndrome. Last evaluated: 2024-03-06. Review status: criteria provided, single submitter. Criteria: ACMG Guidelines, 2015. Collection method: clinical testing. Allele origin: germline.
Comment: This missense variant replaces aspartic acid with asparagine at codon 491 of the APC protein. Computational prediction is inconclusive regarding the impact of this variant on protein structure and function (internally defined REVEL score threshold 0.5 < inconclusive < 0.7, PMID: 27666373). Splice site prediction tools suggest that this variant may not impact RNA splicing. To our knowledge, functional studies have not been performed for this variant. This variant has not been reported in individuals affected with hereditary cancer in the literature. This variant has not been identified in the general population by the Genome Aggregation Database (gnomAD). The available evidence is insufficient to determine the role of this variant in disease conclusively. Therefore, this variant is classified as a Variant of Uncertain Significance.

NM_000038.6(APC):c.1471G>A (p.Asp491Asn)

Gene: APC (APC regulator of Wnt signaling pathway; plus strand). Cytogenetic location: 5q22.2.
Variant type: single nucleotide variant.
Coding change: c.1471G>A on transcript NM_000038.6 (MANE Select); coding-DNA position 1471, G replaced by A.
Protein change: p.Asp491Asn; replaces aspartic acid 491 with asparagine.
Molecular consequence: missense variant.
Genome position (GRCh38, 1-based): chr5:112,827,170, G>A. VCF-style: chr5-112827170-G-A. GRCh37 (hg19) VCF-style: chr5-112162867-G-A.
Other names: c.1198G>A, p.Asp400Asn (NM_001354902.2); c.1168G>A, p.Asp390Asn (NM_001354903.2); c.991G>A, p.Asp331Asn (NM_001354905.2); c.622G>A, p.Asp208Asn (NM_001354906.2); c.1093G>A, p.Asp365Asn (NM_001354904.2); c.1471G>A, p.Asp491Asn (NM_001127510.3, NM_001354895.2); c.1417G>A, p.Asp473Asn (NM_001127511.3); c.1525G>A, p.Asp509Asn (NM_001354896.2); and 5 more; short protein forms D473N, D491N, D208N, D365N, D450N, D390N, D400N, D466N.
Identifiers: ClinVar variation 482411 (VCV000482411.23), dbSNP rs1554081685, ClinGen allele CA16024524.